The following is an entry in ClinVar:

ClinVar aggregate classification (germline): Uncertain significance (1 of 4 stars; one submission).

Allele frequency attached by ClinVar (database versions not stated): gnomAD exomes below 0.00001.
gnomAD v4.1: 2 of 1,612,050 alleles (0.00012%); highest among the groups gnomAD compares: Non-Finnish European, 0.00017%; no homozygotes.

Submission:

Labcorp Genetics (formerly Invitae), Labcorp
Classification: Uncertain significance. Last evaluated: 2021-12-01. Review status: criteria provided, single submitter. Criteria: Invitae Variant Classification Sherloc (09022015). Collection method: clinical testing. Allele origin: germline.
Comment: In summary, the available evidence is currently insufficient to determine the role of this variant in disease. Therefore, it has been classified as a Variant of Uncertain Significance. Variants that disrupt the consensus splice site are a relatively common cause of aberrant splicing (PMID: 17576681, 9536098). Algorithms developed to predict the effect of sequence changes on RNA splicing suggest that this variant may disrupt the consensus splice site. Algorithms developed to predict the effect of missense changes on protein structure and function are either unavailable or do not agree on the potential impact of this missense change (SIFT: "Deleterious"; PolyPhen-2: "Probably Damaging"; Align-GVGD: "Class C0"). This variant has not been reported in the literature in individuals affected with TUBGCP6-related conditions. This variant is not present in population databases (gnomAD no frequency). This sequence change replaces lysine, which is basic and polar, with asparagine, which is neutral and polar, at codon 1542 of the TUBGCP6 protein (p.Lys1542Asn). This variant also falls at the last nucleotide of exon 20, which is part of the consensus splice site for this exon.

Literature cited by the submitters: PubMed 17576681; PubMed 9536098.

NM_020461.4(TUBGCP6):c.4626G>T (p.Lys1542Asn)

Gene: TUBGCP6 (tubulin gamma complex component 6; minus strand). Cytogenetic location: 22q13.33.
Variant type: single nucleotide variant.
Coding change: c.4626G>T on transcript NM_020461.4 (MANE Select); coding-DNA position 4626, G replaced by T.
Protein change: p.Lys1542Asn; replaces lysine 1542 with asparagine.
Molecular consequence: missense variant.
Genome position (GRCh38, 1-based): chr22:50,219,068, C>A on the plus strand (G>T on the coding strand, the complement: TUBGCP6 is on the minus strand). VCF-style: chr22-50219068-C-A. GRCh37 (hg19) VCF-style: chr22-50657497-C-A.
Other names: short protein forms K1542N.
Identifiers: ClinVar variation 1471500 (VCV001471500.6), dbSNP rs2147173412, ClinGen allele CA412169584.